The following is an entry in ClinVar:

NM_000051.4(ATM):c.2839-579A>C

Gene: ATM (ATM serine/threonine kinase; plus strand). Cytogenetic location: 11q22.3.
Variant type: single nucleotide variant.
Coding change: c.2839-579A>C on transcript NM_000051.4 (MANE Select); 579 bases into the intron before coding-DNA position 2839, A replaced by C.
Molecular consequence: intron variant.
Genome position (GRCh38, 1-based): chr11:108,270,485, A>C. VCF-style: chr11-108270485-A-C. GRCh37 (hg19) VCF-style: chr11-108141212-A-C.
Other names: c.2839-579A>C (NM_001351834.2).
Identifiers: ClinVar variation 3667964 (VCV003667964.2).

ClinVar aggregate classification (germline): Uncertain significance (1 of 4 stars; one submission).

Conditions:
Ataxia-telangiectasia syndrome (AT). Also called: LOUIS-BAR SYNDROME; ATAXIA-TELANGIECTASIA, COMPLEMENTATION GROUP A; ATAXIA-TELANGIECTASIA, FRESNO VARIANT; Ataxia-telangiectasia, complementation group D; AT, COMPLEMENTATION GROUP C; Ataxia-telangiectasia. Identifiers: Orphanet 100, MedGen C0004135, MONDO:0008840, OMIM 208900.

Submission:

Labcorp Genetics (formerly Invitae), Labcorp
Classification: Uncertain significance for Ataxia-telangiectasia syndrome. Last evaluated: 2024-11-16. Review status: criteria provided, single submitter. Criteria: Invitae Variant Classification Sherloc (09022015). Collection method: clinical testing. Allele origin: germline.
Comment: This sequence change falls in intron 18 of the ATM gene. It does not directly change the encoded amino acid sequence of the ATM protein. This variant is not present in population databases (gnomAD no frequency). This variant has not been reported in the literature in individuals affected with ATM-related conditions. Algorithms developed to predict the effect of sequence changes on RNA splicing suggest that this variant may create or strengthen a splice site. In summary, the available evidence is currently insufficient to determine the role of this variant in disease. Therefore, it has been classified as a Variant of Uncertain Significance.